The following is an entry in ClinVar:

ClinVar aggregate classification (germline): Uncertain significance. Review status: reviewed by expert panel (3 of 4 stars). 2 submissions from 2 submitters: Uncertain significance (1). 1 of the submissions does not count toward it. Last evaluated 2026-05-27.

Conditions:
Inborn genetic diseases. Identifiers: MedGen C0950123, MeSH D030342.
Hereditary thrombocytopenia and hematologic cancer predisposition syndrome. Identifiers: Orphanet 71290, MedGen CN281654, MONDO:0011071.

Submissions (2):

ClinGen Myeloid Malignancy Variant Curation Expert Panel
Classification: Uncertain significance for Hereditary thrombocytopenia and hematologic cancer predisposition syndrome. Last evaluated: 2026-05-27. Review status: reviewed by expert panel. Criteria: ClinGen MyeloMalig ACMG Specifications V3.1. Collection method: curation. Allele origin: germline. Inheritance: Autosomal dominant inheritance.
Comment: NM_001754.5(RUNX1):c.740C>T (p.Pro247Leu) is a missense variant which which is completely absent from all population databases with at least 20x coverage for RUNX1 (PM2_Supporting). This missense variant has a REVEL score < 0.50 (0.465), and a SpliceAI score ≤ 0.20 (0.02) (BP4). In summary, the clinical significance of this variant is uncertain. ACMG/AMP criteria applied, as specified by the Myeloid Malignancy Variant Curation Expert Panel for RUNX1: PM2_Supporting, BP4.

Ambry Genetics
Classification: Uncertain significance for Inborn genetic diseases. Last evaluated: 2025-05-15. Review status: criteria provided, single submitter. Criteria: Ambry Variant Classification Scheme 2023. Collection method: clinical testing. Allele origin: germline. Not counted in ClinVar's aggregate classification.
Comment: The p.P247L variant (also known as c.740C>T), located in coding exon 6 of the RUNX1 gene, results from a C to T substitution at nucleotide position 740. The proline at codon 247 is replaced by leucine, an amino acid with similar properties. This amino acid position is conserved. In addition, the in silico prediction for this alteration is inconclusive. Based on the available evidence, the clinical significance of this variant remains unclear.

NM_001754.5(RUNX1):c.740C>T (p.Pro247Leu)

Gene: RUNX1 (RUNX family transcription factor 1; minus strand). Cytogenetic location: 21q22.12.
Variant type: single nucleotide variant.
Coding change: c.740C>T on transcript NM_001754.5 (MANE Select); coding-DNA position 740, C replaced by T.
Protein change: p.Pro247Leu; replaces proline 247 with leucine.
Molecular consequence: missense variant.
Genome position (GRCh38, 1-based): chr21:34,834,475, G>A on the plus strand (C>T on the coding strand, the complement: RUNX1 is on the minus strand). VCF-style: chr21-34834475-G-A. GRCh37 (hg19) VCF-style: chr21-36206772-G-A.
Other names: NM_001754.5(RUNX1):c.740C>T; p.Pro247Leu; c.659C>T, p.Pro220Leu (NM_001001890.3, NM_001122607.2); short protein forms P220L, P247L.
Identifiers: ClinVar variation 3948880 (VCV003948880.2).
Genomic context (GRCh38, chr21:34,834,475, plus strand): 5'-ATCTGACTCTGAGGCTGAGGGTTAAAGGCAGTGGAGTGGTTCAGGGAGGCACGAGGGTTG[G>A]GCGTGGGGGCTGGGTGGTGTGGGCTGACCCTCATGGCTGTGCGCCGCAGCTGCTCCAGTT-3'
Protein context (NP_001745.2, residues 237-257): RVSPHHPAPT[Pro247Leu]NPRASLNHST